The following is an entry in ClinVar:

NM_198428.3(BBS9):c.*453C>G

Gene: BBS9 (Bardet-Biedl syndrome 9; plus strand). Cytogenetic location: 7p14.3.
Variant type: single nucleotide variant.
Coding change: c.*453C>G on transcript NM_198428.3 (MANE Select); 453 bases downstream of the stop codon, C replaced by G.
Molecular consequence: 3 prime UTR variant. On other transcripts: non-coding transcript variant (3), intron variant (2).
Genome position (GRCh38, 1-based): chr7:33,605,679, C>G. VCF-style: chr7-33605679-C-G. GRCh37 (hg19) VCF-style: chr7-33645291-C-G.
Other names: c.*453C>G (NM_001033604.2, NM_001033605.2, NM_001348036.1 and 10 more transcripts); c.2522-29498C>G (NM_001362679.1); c.2632+704C>G (NM_001348041.4).
Identifiers: ClinVar variation 360080 (VCV000360080.5), dbSNP rs74748415, ClinGen allele CA10626031.
Genomic context (GRCh38, chr7:33,605,679, plus strand): 5'-TCATTGTCAAATAATATCTTGGATTTTATTTATAATTAGAGGGATTTATGAGTGATTGCT[C>G]TACATTATTTCTTCAAAGGAAAGGAAAGGAATTGAAGACTTTGCTACTCTCTGGTAAGAC-3'

ClinVar aggregate classification (germline): Benign (1 of 4 stars; one submission).

Conditions:
Bardet-Biedl syndrome 9 (BBS9). Identifiers: Orphanet 110, MedGen C1859567, MONDO:0014437, OMIM 615986.

Allele frequency attached by ClinVar (database versions not stated): gnomAD 0.00361 and 0.00454; TOPMed 0.00564; gnomAD exomes 0.00787; 1000 Genomes Project 30x 0.01421; 1000 Genomes Project 0.01518.
gnomAD v4.1: 950 of 186,534 alleles (0.51%); highest among the groups gnomAD compares: East Asian, 6.3%; 12 homozygotes.

Submission:

Illumina Laboratory Services, Illumina
Classification: Benign for Bardet-Biedl syndrome 9. Last evaluated: 2018-01-13. Review status: criteria provided, single submitter. Criteria: ICSL Variant Classification Criteria 13 December 2019. Collection method: clinical testing. Allele origin: germline.
Comment: This variant was observed in the ICSL laboratory as part of a predisposition screen in an ostensibly healthy population. It had not been previously curated by ICSL or reported in the Human Gene Mutation Database (HGMD: prior to June 1st, 2018), and was therefore a candidate for classification through an automated scoring system. Utilizing variant allele frequency, disease prevalence and penetrance estimates, and inheritance mode, an automated score was calculated to assess if this variant is too frequent to cause the disease. Based on the score and internal cut-off values, a variant classified as benign is not then subjected to further curation. The score for this variant resulted in a classification of benign for this disease.